The following is an entry in ClinVar:

NM_000214.3(JAG1):c.393C>T (p.Ser131=)

Gene: JAG1 (jagged canonical Notch ligand 1; minus strand). Cytogenetic location: 20p12.2.
Variant type: single nucleotide variant.
Coding change: c.393C>T on transcript NM_000214.3 (MANE Select); coding-DNA position 393, C replaced by T.
Protein change: p.Ser131=; no amino-acid change (serine 131 retained).
Molecular consequence: synonymous variant.
Genome position (GRCh38, 1-based): chr20:10,664,009, G>A on the plus strand (C>T on the coding strand, the complement: JAG1 is on the minus strand). VCF-style: chr20-10664009-G-A. GRCh37 (hg19) VCF-style: chr20-10644657-G-A.
Identifiers: ClinVar variation 3573287 (VCV003573287.2).

Conditions:
Arteriohepatic dysplasia. Also called: Alagille Syndrome. Identifiers: Orphanet 52, MedGen C0085280, MeSH D016738, MONDO:0007318.

Submission:

Gilbert/Spinner Lab, Children's Hospital of Philadelphia
No classification provided (evidence only). Condition: Alagille syndrome. Review status: no classification provided. Collection method: research. Allele origin: not applicable. Functional consequence: functionally_abnormal.
ClinVar note: "not provided" was previously submitted as the classification for the variant. However, the classification appeared to be based only on an observation of functional data so it was converted to no classification on 2025-07-30.